The following is an entry in ClinVar:

NM_024408.4(NOTCH2):c.4252C>G (p.Pro1418Ala)

Gene: NOTCH2 (notch receptor 2; minus strand). Cytogenetic location: 1p12.
Variant type: single nucleotide variant.
Coding change: c.4252C>G on transcript NM_024408.4 (MANE Select); coding-DNA position 4252, C replaced by G.
Protein change: p.Pro1418Ala; replaces proline 1418 with alanine.
Molecular consequence: missense variant.
Genome position (GRCh38, 1-based): chr1:119,925,564, G>C on the plus strand (C>G on the coding strand, the complement: NOTCH2 is on the minus strand). VCF-style: chr1-119925564-G-C. GRCh37 (hg19) VCF-style: chr1-120468187-G-C.
Other names: short protein forms P1418A.
Identifiers: ClinVar variation 5020309 (VCV005020309.1).
Genomic context (GRCh38, chr1:119,925,564, plus strand): 5'-CGCCATCCCGAGCTTTGTCGGCACAATACTGGCTCAGACAGGTGGCAGGAGGGGTGCTGG[G>C]GGGTGCCGTGTAGAGTTCACAGCGGCTACCCGAGAATGGTGGGGCACACTGGCAGGAGTA-3'
Protein context (NP_077719.2, residues 1408-1428): GSRCELYTAP[Pro1418Ala]STPPATCLSQ

ClinVar aggregate classification (germline): Uncertain significance (1 of 4 stars; one submission).

Submission:

Dasa
Classification: Uncertain significance. Last evaluated: 2026-06-25. Review status: criteria provided, single submitter. Criteria: DASA Assertion Criteria. Collection method: clinical testing. Allele origin: germline.
Comment: NM_024408.4(NOTCH2):c.4252C>G (p.Pro1418Ala) is a missense variant that results in the substitution of proline with alanine. This variant is rare in population databases. Computational prediction algorithms are consistent with a benign effect. The currently available literature and clinical evidence are not sufficient to establish a definitive association between this variant and the reported condition. Therefore, this variant is classified as a variant of uncertain significance.